The following is an entry in ClinVar:

NM_000552.5(VWF):c.4402_4404del (p.Thr1468del)

Gene: VWF (von Willebrand factor; minus strand). Cytogenetic location: 12p13.31.
Variant type: Deletion.
Coding change: c.4402_4404del on transcript NM_000552.5 (MANE Select); coding-DNA positions 4402 to 4404, 3 bases deleted (ACT; older notation c.4402_4404delACT).
Protein change: p.Thr1468del; deletes threonine 1468.
Genome position (GRCh38, 1-based): chr12:6,019,014-6,019,016, AGT deleted on the plus strand (ACT on the coding strand, the reverse complement: VWF is on the minus strand); deleting any 3 consecutive bases within chr12:6,019,014-6,019,018 gives the same sequence; the c. name uses the placement nearest the transcript's 3' end. VCF-style (leftmost placement, unchanged base first): chr12-6019013-GAGT-G. GRCh37 (hg19) VCF-style: chr12-6128179-GAGT-G.
Other names: short protein forms T1468del.
Identifiers: ClinVar variation 3045052 (VCV003045052.2), dbSNP rs1243317800, ClinGen allele CA603482919.

ClinVar aggregate classification (germline): Uncertain significance (0 of 4 stars; one submission).

Conditions:
VWF-related disorder. Also called: VWF-related disorders; VWF-related condition.

Submission:

PreventionGenetics, part of Exact Sciences
Classification: Uncertain significance for VWF-related condition. Last evaluated: 2023-12-11. Review status: no assertion criteria provided. Collection method: clinical testing. Allele origin: germline.
Comment: The VWF c.4402_4404delACT variant is predicted to result in an in-frame deletion (p.Thr1468del). To our knowledge, this variant has not been reported in the literature. This variant is reported in 0.00088% of alleles in individuals of European (Non-Finnish) descent in gnomAD. At this time, the clinical significance of this variant is uncertain due to the absence of conclusive functional and genetic evidence.